The following is an entry in ClinVar:

NM_182961.4(SYNE1):c.24837C>G (p.Asp8279Glu)

Gene: SYNE1 (spectrin repeat containing nuclear envelope protein 1; minus strand). Cytogenetic location: 6q25.2.
Variant type: single nucleotide variant.
Coding change: c.24837C>G on transcript NM_182961.4 (MANE Select); coding-DNA position 24837, C replaced by G.
Protein change: p.Asp8279Glu; replaces aspartic acid 8279 with glutamic acid.
Molecular consequence: missense variant.
Genome position (GRCh38, 1-based): chr6:152,148,184, G>C on the plus strand (C>G on the coding strand, the complement: SYNE1 is on the minus strand). VCF-style: chr6-152148184-G-C. GRCh37 (hg19) VCF-style: chr6-152469319-G-C.
Other names: c.1443C>G, p.Asp481Glu (NM_001347701.2); c.1302C>G, p.Asp434Glu (NM_001347702.2); c.24624C>G, p.Asp8208Glu (NM_033071.5); short protein forms D8279E, D8208E, D434E, D481E.
Identifiers: ClinVar variation 1966463 (VCV001966463.5), dbSNP rs2549953377, ClinGen allele CA366085168.

ClinVar aggregate classification (germline): Uncertain significance (1 of 4 stars; one submission).

Conditions:
Emery-Dreifuss muscular dystrophy 4, autosomal dominant (EDMD4). Also called: EMERY-DREIFUSS MUSCULAR DYSTROPHY 4 WITH VARIABLE FEATURES. Identifiers: Orphanet 261, MedGen C2751807, MONDO:0013071, OMIM 612998.
Autosomal recessive ataxia, Beauce type. Also called: SYNE1 Deficiency; Spinocerebellar ataxia, autosomal recessive 8; ATAXIA, RECESSIVE, OF BEAUCE; SYNE1-Related Autosomal Recessive Cerebellar Ataxia. Identifiers: Orphanet 88644, MedGen C1853116, MONDO:0012549, OMIM 610743.

Submission:

Labcorp Genetics (formerly Invitae), Labcorp
Classification: Uncertain significance for Emery-Dreifuss muscular dystrophy 4, autosomal dominant; Autosomal recessive ataxia, Beauce type. Last evaluated: 2022-03-01. Review status: criteria provided, single submitter. Criteria: Invitae Variant Classification Sherloc (09022015). Collection method: clinical testing. Allele origin: germline.
Comment: In summary, the available evidence is currently insufficient to determine the role of this variant in disease. Therefore, it has been classified as a Variant of Uncertain Significance. Algorithms developed to predict the effect of missense changes on protein structure and function are either unavailable or do not agree on the potential impact of this missense change (SIFT: "Deleterious"; PolyPhen-2: "Probably Damaging"; Align-GVGD: "Class C0"). This variant has not been reported in the literature in individuals affected with SYNE1-related conditions. This variant is not present in population databases (gnomAD no frequency). This sequence change replaces aspartic acid, which is acidic and polar, with glutamic acid, which is acidic and polar, at codon 8208 of the SYNE1 protein (p.Asp8208Glu).